The following is an entry in ClinVar:

ClinVar aggregate classification (germline): Pathogenic (1 of 4 stars; one submission).

Conditions:
Familial adenomatous polyposis 4 (FAP4). Also called: MSH3-related attenuated familial adenomatous polyposis. Identifiers: Orphanet 480536, MedGen C4310719, MONDO:0044300, OMIM 617100.

Submission:

Myriad Genetics, Inc.
Classification: Pathogenic for Familial adenomatous polyposis 4. Last evaluated: 2026-08-11. Review status: criteria provided, single submitter. Criteria: Myriad Autosomal Dominant, Autosomal Recessive and X-Linked Classification Criteria (2023). Collection method: clinical testing. Allele origin: unknown.
Comment: This variant is considered pathogenic. This variant creates a termination codon and is predicted to result in premature protein truncation.

NM_002439.5(MSH3):c.822C>A (p.Cys274Ter)

Gene: MSH3 (mutS homolog 3; plus strand). Cytogenetic location: 5q14.1.
Variant type: single nucleotide variant.
Coding change: c.822C>A on transcript NM_002439.5 (MANE Select); coding-DNA position 822, C replaced by A.
Protein change: p.Cys274Ter; replaces cysteine 274 with a stop codon.
Molecular consequence: nonsense.
Genome position (GRCh38, 1-based): chr5:80,672,273, C>A. VCF-style: chr5-80672273-C-A. GRCh37 (hg19) VCF-style: chr5-79968092-C-A.
Other names: short protein forms C274*.
Identifiers: ClinVar variation 5042248 (VCV005042248.1).
Genomic context (GRCh38, chr5:80,672,273, plus strand): 5'-TTTATTGATATTTTCTTTTTTCATTTTTTAGATTGCAGCCCGAGAGCTCAATATTTATTG[C>A]CATTTAGATCACAACTTTATGACAGCAAGTATACCTACTCACAGACTGTTTGTTCATGTA-3'